The following is an entry in ClinVar:

ClinVar aggregate classification (germline): Benign. Review status: criteria provided, multiple submitters, no conflicts (2 of 4 stars). 12 submissions from 12 submitters: Benign (9). 3 of the submissions do not count toward it. Last evaluated 2026-02-04.

Conditions:
Sitosterolemia 1. Identifiers: MedGen C2749759, MONDO:0020747, OMIM 210250.

Allele frequency attached by ClinVar (database versions not stated): gnomAD exomes 0.41375 and 0.44588; TOPMed 0.41815; gnomAD 0.41875 and 0.42644; ExAC 0.44906; 1000 Genomes Project 30x 0.50781; 1000 Genomes Project 0.51597; ESP Exome Variant Server 0.39390.
gnomAD v4.1: 668,170 of 1,610,706 alleles (41%); highest among the groups gnomAD compares: East Asian, 85%; 144,720 homozygotes.

Submissions (12):

Labcorp Genetics (formerly Invitae), Labcorp
Classification: Benign. Last evaluated: 2026-02-04. Review status: criteria provided, single submitter. Criteria: Invitae Variant Classification Sherloc (09022015). Collection method: clinical testing. Allele origin: germline.

Molecular Diagnostic Laboratory for Inherited Cardiovascular Disease, Montreal Heart Institute
Classification: Benign. Last evaluated: 2025-04-09. Review status: criteria provided, single submitter. Criteria: ACMG Guidelines, 2015. Collection method: clinical testing. Allele origin: germline. Affected: no.

Blueprint Genetics
Classification: Benign. Last evaluated: 2024-11-26. Review status: criteria provided, single submitter. Criteria: ACMG Guidelines, 2015. Collection method: clinical testing. Allele origin: germline.

Women's Health and Genetics/Laboratory Corporation of America, LabCorp
Classification: Benign. Last evaluated: 2023-04-04. Review status: criteria provided, single submitter. Criteria: LabCorp Variant Classification Summary - May 2015. Collection method: clinical testing. Allele origin: germline.

Mayo Clinic Laboratories, Mayo Clinic
Classification: Benign. Last evaluated: 2022-09-29. Review status: criteria provided, single submitter. Criteria: ACMG Guidelines, 2015. Collection method: clinical testing. Allele origin: germline. Observed: 1,517 variant alleles.

Genome-Nilou Lab
Classification: Benign for Sitosterolemia 1. Last evaluated: 2021-07-14. Review status: criteria provided, single submitter. Criteria: ACMG Guidelines, 2015. Collection method: clinical testing. Allele origin: germline. Affected: no.

GeneDx
Classification: Benign. Last evaluated: 2018-07-05. Review status: criteria provided, single submitter. Criteria: GeneDx Variant Classification Process June 2021. Collection method: clinical testing. Allele origin: germline. Affected: yes.

Illumina Laboratory Services, Illumina
Classification: Benign for Sitosterolemia 1. Last evaluated: 2018-01-13. Review status: criteria provided, single submitter. Criteria: ICSL Variant Classification Criteria 13 December 2019. Collection method: clinical testing. Allele origin: germline.
Comment: This variant was observed in the ICSL laboratory as part of a predisposition screen in an ostensibly healthy population. It had not been previously curated by ICSL or reported in the Human Gene Mutation Database (HGMD: prior to June 1st, 2018), and was therefore a candidate for classification through an automated scoring system. Utilizing variant allele frequency, disease prevalence and penetrance estimates, and inheritance mode, an automated score was calculated to assess if this variant is too frequent to cause the disease. Based on the score and internal cut-off values, a variant classified as benign is not then subjected to further curation. The score for this variant resulted in a classification of benign for this disease.

Breakthrough Genomics
Classification: Benign. Review status: criteria provided, single submitter. Criteria: ACMG Guidelines, 2015. Collection method: not provided. Allele origin: germline. Inheritance: Autosomal recessive inheritance. Affected: yes.

Clinical Genetics, Academic Medical Center
Classification: Benign. Review status: no assertion criteria provided. Collection method: clinical testing. Allele origin: germline. Affected: yes. Study: VKGL Data-share Consensus. Not counted in ClinVar's aggregate classification.

Diagnostic Laboratory, Department of Genetics, University Medical Center Groningen
Classification: Benign. Review status: no assertion criteria provided. Collection method: clinical testing. Allele origin: germline. Affected: yes. Study: VKGL Data-share Consensus. Not counted in ClinVar's aggregate classification.

Joint Genome Diagnostic Labs from Nijmegen and Maastricht, Radboudumc and MUMC+
Classification: Benign. Review status: no assertion criteria provided. Collection method: clinical testing. Allele origin: germline. Affected: yes. Study: VKGL Data-share Consensus. Not counted in ClinVar's aggregate classification.

NM_022437.3(ABCG8):c.64-7C>T

Gene: ABCG8 (ATP binding cassette subfamily G member 8; plus strand). Cytogenetic location: 2p21.
Variant type: single nucleotide variant.
Coding change: c.64-7C>T on transcript NM_022437.3 (MANE Select); 7 bases into the intron before coding-DNA position 64, C replaced by T.
Molecular consequence: intron variant.
Genome position (GRCh38, 1-based): chr2:43,844,500, C>T. VCF-style: chr2-43844500-C-T. GRCh37 (hg19) VCF-style: chr2-44071639-C-T.
Other names: p.?; c.64-7C>T (NM_001357321.2).
Identifiers: ClinVar variation 336062 (VCV000336062.28), dbSNP rs4148210, ClinGen allele CA1636879.